The following is an entry in ClinVar:

ClinVar aggregate classification (germline): Benign/Likely benign. Review status: criteria provided, multiple submitters, no conflicts (2 of 4 stars). 8 submissions from 8 submitters: Benign (1); Likely benign (7). Last evaluated 2025-12-29.

Conditions:
Hereditary cancer-predisposing syndrome. Also called: Neoplastic Syndromes, Hereditary; Tumor predisposition; Hereditary Cancer Syndrome; Hereditary neoplastic syndrome. Identifiers: Orphanet 140162, MedGen C0027672, MeSH D009386, MONDO:0015356.
Familial cancer of breast. Also called: BREAST CANCER, FAMILIAL; Hereditary breast cancer; hereditary breast carcinoma. Identifiers: Orphanet 227535, MedGen C0346153, MONDO:0016419, OMIM 114480. Disease mechanism: loss of function.

Allele frequency attached by ClinVar (database versions not stated): TOPMed below 0.00001; gnomAD 0.00001; gnomAD exomes below 0.00001.
gnomAD v4.1: 4 of 1,613,990 alleles (0.00025%); highest among the groups gnomAD compares: Admixed American, 0.0067%; no homozygotes.

Submissions (8):

Center for Genomic Medicine, Rigshospitalet, Copenhagen University Hospital
Classification: Likely benign. Last evaluated: 2025-12-29. Review status: criteria provided, single submitter. Criteria: ACMG Guidelines, 2015. Collection method: clinical testing. Allele origin: germline.

Labcorp Genetics (formerly Invitae), Labcorp
Classification: Likely benign for Familial cancer of breast. Last evaluated: 2025-12-24. Review status: criteria provided, single submitter. Criteria: Invitae Variant Classification Sherloc (09022015). Collection method: clinical testing. Allele origin: germline.

Myriad Genetics, Inc.
Classification: Benign for Familial cancer of breast. Last evaluated: 2024-07-30. Review status: criteria provided, single submitter. Criteria: Myriad Autosomal Dominant, Autosomal Recessive and X-Linked Classification Criteria (2023). Collection method: clinical testing. Allele origin: unknown.
Comment: This variant is considered benign. This variant is a silent/synonymous amino acid change and it is not expected to impact splicing.

Quest Diagnostics Nichols Institute San Juan Capistrano
Classification: Likely benign. Last evaluated: 2023-05-12. Review status: criteria provided, single submitter. Criteria: Quest Diagnostics criteria. Collection method: clinical testing. Allele origin: unknown.

Sema4
Classification: Likely benign for Hereditary cancer-predisposing syndrome. Last evaluated: 2021-11-16. Review status: criteria provided, single submitter. Criteria: Sema4 Curation Guidelines. Collection method: curation. Allele origin: germline.

Blueprint Genetics
Classification: Likely benign. Last evaluated: 2021-10-05. Review status: criteria provided, single submitter. Criteria: ACMG Guidelines, 2015. Collection method: clinical testing. Allele origin: germline.

Color Diagnostics, LLC DBA Color Health
Classification: Likely benign for Hereditary cancer-predisposing syndrome. Last evaluated: 2017-11-26. Review status: criteria provided, single submitter. Criteria: ACMG Guidelines, 2015. Collection method: clinical testing. Allele origin: germline.

Ambry Genetics
Classification: Likely benign for Hereditary cancer-predisposing syndrome. Last evaluated: 2015-09-29. Review status: criteria provided, single submitter. Criteria: Ambry Variant Classification Scheme 2023. Collection method: clinical testing. Allele origin: germline.

NM_000465.4(BARD1):c.2328C>T (p.Asp776=)

Gene: BARD1 (BRCA1 associated RING domain 1; minus strand). Cytogenetic location: 2q35.
Variant type: single nucleotide variant.
Coding change: c.2328C>T on transcript NM_000465.4 (MANE Select); coding-DNA position 2328, C replaced by T.
Protein change: p.Asp776=; no amino-acid change (aspartic acid 776 retained).
Molecular consequence: synonymous variant. On other transcripts: non-coding transcript variant (3).
Genome position (GRCh38, 1-based): chr2:214,728,682, G>A on the plus strand (C>T on the coding strand, the complement: BARD1 is on the minus strand). VCF-style: chr2-214728682-G-A. GRCh37 (hg19) VCF-style: chr2-215593406-G-A.
Other names: c.2271C>T, p.Asp757= (NM_001282543.2); c.975C>T, p.Asp325= (NM_001282545.2); c.918C>T, p.Asp306= (NM_001282548.2); c.789C>T, p.Asp263= (NM_001282549.2).
Identifiers: ClinVar variation 216443 (VCV000216443.23), dbSNP rs863224673, ClinGen allele CA338634.